The following is an entry in ClinVar:

ClinVar aggregate classification (germline): Uncertain significance (1 of 4 stars; one submission).

Conditions:
XRCC2-related disorder. Also called: XRCC2-related condition.

Submission:

PreventionGenetics, part of Exact Sciences
Classification: Uncertain significance for XRCC2-related condition. Last evaluated: 2022-11-23. Review status: criteria provided, single submitter. Criteria: ACMG Guidelines, 2015. Collection method: clinical testing. Allele origin: germline.
Comment: The XRCC2 c.518_519delTG variant is predicted to result in a frameshift and premature protein termination (p.Leu173Glnfs*13). This variant is located in the last exon of XRCC2 and is not predicted to result in nonsense mediated decay. However, this variant is predicted to disrupt the final 108 amino acids. To our knowledge, this variant has not been reported in the literature or in a large population database, indicating this variant is rare. Loss-of-function variants in XRCC2 have not been an established mechanism of disease. At this time, the clinical significance of this variant is uncertain due to the absence of conclusive functional and genetic evidence.

NM_005431.2(XRCC2):c.518_519del (p.Leu173fs)

Gene: XRCC2 (X-ray repair cross complementing 2; minus strand). Cytogenetic location: 7q36.1.
Variant type: Deletion.
Coding change: c.518_519del on transcript NM_005431.2 (MANE Select); coding-DNA positions 518 to 519, 2 bases deleted (TG; older notation c.518_519delTG).
Protein change: p.Leu173fs; shifts the reading frame from leucine 173.
Molecular consequence: frameshift variant.
Genome position (GRCh38, 1-based): chr7:152,648,966-152,648,967, CA deleted on the plus strand (TG on the coding strand, the reverse complement: XRCC2 is on the minus strand). VCF-style (leftmost placement, unchanged base first): chr7-152648965-TCA-T. GRCh37 (hg19) VCF-style: chr7-152346050-TCA-T.
Other names: short protein forms L173fs.
Identifiers: ClinVar variation 2635498 (VCV002635498.1), dbSNP rs2485881111, ClinGen allele CA2695199647.